The following is an entry in ClinVar:

NM_001353788.2(APBA2):c.1815G>A (p.Pro605=)

Gene: APBA2 (amyloid beta precursor protein binding family A member 2; plus strand). Cytogenetic location: 15q13.1.
Variant type: single nucleotide variant.
Coding change: c.1815G>A on transcript NM_001353788.2 (MANE Select); coding-DNA position 1815, G replaced by A.
Protein change: p.Pro605=; no amino-acid change (proline 605 retained).
Molecular consequence: synonymous variant.
Genome position (GRCh38, 1-based): chr15:29,106,717, G>A. VCF-style: chr15-29106717-G-A. GRCh37 (hg19) VCF-style: chr15-29398920-G-A.
Other names: c.1779G>A, p.Pro593= (NM_001130414.1, NM_001353792.2, NM_001353793.2 and 1 more transcripts); c.1815G>A, p.Pro605= (NM_001353789.2, NM_001353790.2, NM_001353791.2 and 2 more transcripts); c.927G>A, p.Pro309= (NM_001353796.2); c.891G>A, p.Pro297= (NM_001353797.2).
Identifiers: ClinVar variation 434250 (VCV000434250.36), dbSNP rs140055297, ClinGen allele CA7445564.
Genomic context (GRCh38, chr15:29,106,717, plus strand): 5'-GTCGGGCTGGGGCTCCATCCTGCCCACGGTGATCCTGGCCAACATGATGAATGGCGGCCC[G>A]GCTGCCCGCTCGGGGAAGCTGAGCATCGGGGACCAGATCATGTCCATCAATGGCACCAGC-3'
Protein context (NP_001340717.1, residues 595-615): VILANMMNGG[Pro605=]AARSGKLSIG

ClinVar aggregate classification (germline): Benign/Likely benign. Review status: criteria provided, multiple submitters, no conflicts (2 of 4 stars). 5 submissions from 5 submitters: Benign (1); Likely benign (3). 1 of the submissions does not count toward it. Last evaluated 2022-12-01.

Conditions:
APBA2-related disorder. Also called: APBA2-related condition.

Allele frequency attached by ClinVar (database versions not stated): 1000 Genomes Project 0.00160; 1000 Genomes Project 30x 0.00265; ExAC 0.00496; gnomAD exomes 0.00502; ESP Exome Variant Server 0.00515; gnomAD 0.00532 and 0.00544; TOPMed 0.00618.
gnomAD v4.1: 10,297 of 1,612,960 alleles (0.64%); highest among the groups gnomAD compares: Middle Eastern, 1.6%; 42 homozygotes.

Submissions (5):

CeGaT Center for Human Genetics Tuebingen
Classification: Likely benign. Last evaluated: 2022-12-01. Review status: criteria provided, single submitter. Criteria: CeGaT Center For Human Genetics Tuebingen Variant Classification Criteria Version 2. Collection method: clinical testing. Allele origin: germline. Affected: yes. Observed: 1 variant allele.
Comment: APBA2: BP4, BP7, BS2

Labcorp Genetics (formerly Invitae), Labcorp
Classification: Benign. Last evaluated: 2019-12-31. Review status: criteria provided, single submitter. Criteria: Invitae Variant Classification Sherloc (09022015). Collection method: clinical testing. Allele origin: germline.

Genetic Services Laboratory, University of Chicago
Classification: Likely benign. Last evaluated: 2016-02-25. Review status: criteria provided, single submitter. Criteria: ACMG Guidelines, 2015. Collection method: clinical testing. Allele origin: germline. Affected: no.

Breakthrough Genomics
Classification: Likely benign. Review status: criteria provided, single submitter. Criteria: ACMG Guidelines, 2015. Collection method: not provided. Allele origin: germline. Inheritance: Unknown mechanism. Affected: yes.

PreventionGenetics, part of Exact Sciences
Classification: Benign for APBA2-related condition. Last evaluated: 2019-03-29. Review status: no assertion criteria provided. Collection method: clinical testing. Allele origin: germline. Not counted in ClinVar's aggregate classification.
Comment: This variant is classified as benign based on ACMG/AMP sequence variant interpretation guidelines (Richards et al. 2015 PMID: 25741868, with internal and published modifications).